The following is an entry in ClinVar:

ClinVar aggregate classification (germline): Uncertain significance (1 of 4 stars; one submission).

Allele frequency attached by ClinVar (database versions not stated): gnomAD exomes below 0.00001 and 0.00001; TOPMed 0.00001; gnomAD 0.00002.
gnomAD v4.1: 6 of 1,613,822 alleles (0.00037%); highest among the groups gnomAD compares: Non-Finnish European, 0.00051%; no homozygotes.

Submission:

Labcorp Genetics (formerly Invitae), Labcorp
Classification: Uncertain significance. Last evaluated: 2023-12-07. Review status: criteria provided, single submitter. Criteria: Invitae Variant Classification Sherloc (09022015). Collection method: clinical testing. Allele origin: germline.
Comment: This sequence change replaces isoleucine, which is neutral and non-polar, with leucine, which is neutral and non-polar, at codon 157 of the DEAF1 protein (p.Ile157Leu). This variant is present in population databases (no rsID available, gnomAD 0.002%). This variant has not been reported in the literature in individuals affected with DEAF1-related conditions. ClinVar contains an entry for this variant (Variation ID: 1418764). Advanced modeling of protein sequence and biophysical properties (such as structural, functional, and spatial information, amino acid conservation, physicochemical variation, residue mobility, and thermodynamic stability) has been performed at Invitae for this missense variant, however the output from this modeling did not meet the statistical confidence thresholds required to predict the impact of this variant on DEAF1 protein function. In summary, the available evidence is currently insufficient to determine the role of this variant in disease. Therefore, it has been classified as a Variant of Uncertain Significance.

NM_021008.4(DEAF1):c.469A>C (p.Ile157Leu)

Gene: DEAF1 (DEAF1 transcription factor; minus strand). Cytogenetic location: 11p15.5.
Variant type: single nucleotide variant.
Coding change: c.469A>C on transcript NM_021008.4 (MANE Select); coding-DNA position 469, A replaced by C.
Protein change: p.Ile157Leu; replaces isoleucine 157 with leucine.
Molecular consequence: missense variant. On other transcripts: 5 prime UTR variant (1).
Genome position (GRCh38, 1-based): chr11:688,379, T>G on the plus strand (A>C on the coding strand, the complement: DEAF1 is on the minus strand). VCF-style: chr11-688379-T-G. GRCh37 (hg19) VCF-style: chr11-688379-T-G.
Other names: c.469A>C, p.Ile157Leu (NM_001293634.2); c.-258A>C (NM_001367390.1); short protein forms I157L.
Identifiers: ClinVar variation 1418764 (VCV001418764.6), dbSNP rs1341583935, ClinGen allele CA378935303.
Genomic context (GRCh38, chr11:688,379, plus strand): 5'-GCACCGCTGTACCTGGGGTGAGGGGAGCTGCCGGGCCTTTCAGCCCGGTGGTCTCCACGA[T>G]GCTCCCATCTGTGTGGACGACAATCAGTGTCGCTTTTTCGGTGTTCAGGCTGTCCCCGAT-3'
Protein context (NP_066288.2, residues 147-167): TLIVVHTDGS[Ile157Leu]VETTGLKGPA